The following is an entry in ClinVar:

ClinVar aggregate classification (germline): Uncertain significance (1 of 4 stars; one submission).

Allele frequency attached by ClinVar (database versions not stated): ExAC 0.00001.
gnomAD v4.1: 58 of 1,613,082 alleles (0.0036%); highest among the groups gnomAD compares: Non-Finnish European, 0.0047%; no homozygotes.

Submission:

Labcorp Genetics (formerly Invitae), Labcorp
Classification: Uncertain significance. Last evaluated: 2024-06-17. Review status: criteria provided, single submitter. Criteria: Invitae Variant Classification Sherloc (09022015). Collection method: clinical testing. Allele origin: germline.
Comment: This sequence change replaces alanine, which is neutral and non-polar, with serine, which is neutral and polar, at codon 1586 of the HSPG2 protein (p.Ala1586Ser). This variant is present in population databases (rs199840493, gnomAD 0.003%). This variant has not been reported in the literature in individuals affected with HSPG2-related conditions. An algorithm developed to predict the effect of missense changes on protein structure and function (PolyPhen-2) suggests that this variant¬¨‚Ä†is likely to be tolerated. In summary, the available evidence is currently insufficient to determine the role of this variant in disease. Therefore, it has been classified as a Variant of Uncertain Significance.

NM_005529.7(HSPG2):c.4756G>T (p.Ala1586Ser)

Gene: HSPG2 (heparan sulfate proteoglycan 2; minus strand). Cytogenetic location: 1p36.12.
Variant type: single nucleotide variant.
Coding change: c.4756G>T on transcript NM_005529.7 (MANE Select); coding-DNA position 4756, G replaced by T.
Protein change: p.Ala1586Ser; replaces alanine 1586 with serine.
Molecular consequence: missense variant.
Genome position (GRCh38, 1-based): chr1:21,862,100, C>A on the plus strand (G>T on the coding strand, the complement: HSPG2 is on the minus strand). VCF-style: chr1-21862100-C-A. GRCh37 (hg19) VCF-style: chr1-22188593-C-A.
Other names: c.4759G>T, p.Ala1587Ser (NM_001291860.2); short protein forms A1586S, A1587S.
Identifiers: ClinVar variation 2908427 (VCV002908427.2), dbSNP rs199840493, ClinGen allele CA672169.